The following is an entry in ClinVar:

NM_003919.3(SGCE):c.658del (p.Glu220fs)

Genes: CASD1 (CAS1 domain sialic acid O acetyltransferase 1; plus strand), SGCE (sarcoglycan epsilon; minus strand). Cytogenetic location: 7q21.3.
Variant type: Deletion.
Coding change: c.658del on transcript NM_003919.3 (MANE Select); coding-DNA position 658, one base deleted (G; older notation c.658delG).
Protein change: p.Glu220fs; shifts the reading frame from glutamic acid 220.
Molecular consequence: frameshift variant.
Genome position (GRCh38, 1-based): chr7:94,618,762, C deleted on the plus strand (G on the coding strand, the reverse complement: SGCE is on the minus strand); the first of 2 consecutive C bases (chr7:94,618,762-94,618,763); deleting either gives the same sequence. VCF-style (leftmost placement, unchanged base first): chr7-94618761-TC-T. GRCh37 (hg19) VCF-style: chr7-94248073-TC-T.
Other names: c.658del, p.Glu220fs (NM_001099400.2, NM_001099401.2, NM_001346717.2); c.535del, p.Glu179fs (NM_001301139.2, NM_001362809.2); c.766del, p.Glu256fs (NM_001346713.2, NM_001346715.2); c.571del, p.Glu191fs (NM_001346719.2, NM_001362807.2); c.385del, p.Glu129fs (NM_001346720.2, NM_001362808.2); short protein forms E179fs, E256fs, E220fs, E129fs, E191fs.
Identifiers: ClinVar variation 1459921 (VCV001459921.6), dbSNP rs2116880537, ClinGen allele CA2573142500.

ClinVar aggregate classification (germline): Pathogenic (1 of 4 stars; one submission).

Conditions:
Myoclonic dystonia 11 (DYT11). Also called: DYT-SGCE; Myoclonic dystonia; Dystonia 11; Dystonia, alcohol responsive; Hereditary essential myoclonus; SGCE Myoclonus-Dystonia. Identifiers: Orphanet 36899, MedGen C1834570, MONDO:0008044, OMIM 159900.

Submission:

Labcorp Genetics (formerly Invitae), Labcorp
Classification: Pathogenic for Myoclonic dystonia 11. Last evaluated: 2021-08-23. Review status: criteria provided, single submitter. Criteria: Invitae Variant Classification Sherloc (09022015). Collection method: clinical testing. Allele origin: germline.
Comment: For these reasons, this variant has been classified as Pathogenic. Algorithms developed to predict the effect of sequence changes on RNA splicing suggest that this variant may create or strengthen a splice site, but this prediction has not been confirmed by published transcriptional studies. This variant has not been reported in the literature in individuals with SGCE-related conditions. This variant is not present in population databases (ExAC no frequency). This sequence change creates a premature translational stop signal (p.Glu220Argfs*27) in the SGCE gene. It is expected to result in an absent or disrupted protein product. Loss-of-function variants in SGCE are known to be pathogenic (PMID: 12821748, 15389977, 17853490, 24297365).

Literature cited by the submitters: PubMed 12821748; PubMed 15389977; PubMed 17853490; PubMed 24297365.